The following is an entry in ClinVar:

ClinVar aggregate classification (germline): Uncertain significance (1 of 4 stars; one submission).

Conditions:
Inborn genetic diseases. Identifiers: MedGen C0950123, MeSH D030342.

gnomAD v4.1: 2 of 1,602,000 alleles (0.00012%); highest among the groups gnomAD compares: Non-Finnish European, 0.00017%; no homozygotes.

Submission:

Ambry Genetics
Classification: Uncertain significance for Inborn genetic diseases. Last evaluated: 2025-06-09. Review status: criteria provided, single submitter. Criteria: Ambry Variant Classification Scheme 2023. Collection method: clinical testing. Allele origin: germline.
Comment: The p.R86L variant (also known as c.257G>T), located in coding exon 2 of the GATA2 gene, results from a G to T substitution at nucleotide position 257. The arginine at codon 86 is replaced by leucine, an amino acid with dissimilar properties. This amino acid position is conserved. In addition, this alteration is predicted to be deleterious by in silico analysis. Based on the available evidence, the clinical significance of this variant remains unclear.

NM_032638.5(GATA2):c.257G>T (p.Arg86Leu)

Gene: GATA2 (GATA binding protein 2; minus strand). Cytogenetic location: 3q21.3.
Variant type: single nucleotide variant.
Coding change: c.257G>T on transcript NM_032638.5 (MANE Select); coding-DNA position 257, G replaced by T.
Protein change: p.Arg86Leu; replaces arginine 86 with leucine.
Molecular consequence: missense variant.
Genome position (GRCh38, 1-based): chr3:128,486,341, C>A on the plus strand (G>T on the coding strand, the complement: GATA2 is on the minus strand). VCF-style: chr3-128486341-C-A. GRCh37 (hg19) VCF-style: chr3-128205184-C-A.
Other names: c.257G>T, p.Arg86Leu (NM_001145661.2, NM_001145662.1); short protein forms R86L.
Identifiers: ClinVar variation 4028520 (VCV004028520.1).